The following is an entry in ClinVar:

ClinVar aggregate classification (germline): Uncertain significance (1 of 4 stars; one submission).

Allele frequency attached by ClinVar (database versions not stated): TOPMed below 0.00001; gnomAD exomes below 0.00001.
gnomAD v4.1: 7 of 1,599,098 alleles (0.00044%); highest among the groups gnomAD compares: South Asian, 0.0045%; no homozygotes.

Submission:

Labcorp Genetics (formerly Invitae), Labcorp
Classification: Uncertain significance. Last evaluated: 2025-07-21. Review status: criteria provided, single submitter. Criteria: Invitae Variant Classification Sherloc (09022015). Collection method: clinical testing. Allele origin: germline.
Comment: This sequence change affects an acceptor splice site in intron 19 of the MICAL1 gene. It is expected to disrupt RNA splicing. Variants that disrupt the donor or acceptor splice site typically lead to a loss of protein function (PMID: 16199547), however the current clinical and genetic evidence is not sufficient to establish whether loss-of-function variants in MICAL1 cause disease. This variant is not present in population databases (gnomAD no frequency). This variant has not been reported in the literature in individuals affected with MICAL1-related conditions. ClinVar contains an entry for this variant (Variation ID: 2807890). Algorithms developed to predict the effect of sequence changes on RNA splicing suggest that this variant may disrupt the consensus splice site. In summary, the available evidence is currently insufficient to determine the role of this variant in disease. Therefore, it has been classified as a Variant of Uncertain Significance.

Literature cited by the submitters: PubMed 16199547.

NM_022765.4(MICAL1):c.2582-1G>A

Gene: MICAL1 (microtubule associated monooxygenase, calponin and LIM domain containing 1; minus strand). Cytogenetic location: 6q21.
Variant type: single nucleotide variant.
Coding change: c.2582-1G>A on transcript NM_022765.4 (MANE Select); the canonical splice acceptor site of the intron before coding-DNA position 2582, G replaced by A.
Molecular consequence: splice acceptor variant.
Genome position (GRCh38, 1-based): chr6:109,445,863, C>T on the plus strand (G>A on the coding strand, the complement: MICAL1 is on the minus strand). VCF-style: chr6-109445863-C-T. GRCh37 (hg19) VCF-style: chr6-109767066-C-T.
Other names: c.2639-1G>A (NM_001286613.2); c.2324-1G>A (NM_001159291.2).
Identifiers: ClinVar variation 2807890 (VCV002807890.3), dbSNP rs1775192914, ClinGen allele CA365222942.
Genomic context (GRCh38, chr6:109,445,863, plus strand): 5'-CTTCTTCCTCTTCACTGGAGAAGGGACTCTCTTTTTCCTCCTTCTCCATGGCCACAAGAG[C>T]TGAGAAGAAGAACTGAGACGTTCTACTGCCTCCAGCGCCTGCCCCAGTCAGGCAACAAAG-3'